The following is an entry in ClinVar:

NM_000702.4(ATP1A2):c.3034+14C>T

Gene: ATP1A2 (ATPase Na+/K+ transporting subunit alpha 2; plus strand). Cytogenetic location: 1q23.2.
Variant type: single nucleotide variant.
Coding change: c.3034+14C>T on transcript NM_000702.4 (MANE Select); 14 bases into the intron after coding-DNA position 3034, C replaced by T.
Molecular consequence: intron variant.
Genome position (GRCh38, 1-based): chr1:160,139,998, C>T. VCF-style: chr1-160139998-C-T. GRCh37 (hg19) VCF-style: chr1-160109788-C-T.
Identifiers: ClinVar variation 256764 (VCV000256764.19), dbSNP rs41288127, ClinGen allele CA1194916.

ClinVar aggregate classification (germline): Benign. Review status: criteria provided, multiple submitters, no conflicts (2 of 4 stars). 12 submissions from 8 submitters: Benign (12). Last evaluated 2026-02-03.

Conditions:
Fetal akinesia, respiratory insufficiency, microcephaly, polymicrogyria, and dysmorphic facies. Identifiers: MedGen C5562015, MONDO:0859204, OMIM 619602.
Developmental and epileptic encephalopathy 98. Identifiers: MedGen C5562017, MONDO:0030472, OMIM 619605.
Familial hemiplegic migraine. Identifiers: MedGen C0338484, MONDO:0000700.
Migraine, familial hemiplegic, 2. Identifiers: Orphanet 569, MedGen C1865322, MONDO:0011232, OMIM 602481.
Alternating hemiplegia of childhood 1 (AHC1). Identifiers: Orphanet 2131, MedGen C3549447, MONDO:0007087, OMIM 104290.

Allele frequency attached by ClinVar (database versions not stated): 1000 Genomes Project 0.09565; 1000 Genomes Project 30x 0.10150; TOPMed 0.12218; ESP Exome Variant Server 0.12648; ExAC 0.12950; gnomAD 0.13009 and 0.13198; gnomAD exomes 0.13035 and 0.13372.
gnomAD v4.1: 214,371 of 1,612,062 alleles (13%); highest among the groups gnomAD compares: Admixed American, 14%; 14,908 homozygotes.

Submissions (12):

Labcorp Genetics (formerly Invitae), Labcorp
Classification: Benign for Familial hemiplegic migraine. Last evaluated: 2026-02-03. Review status: criteria provided, single submitter. Criteria: Invitae Variant Classification Sherloc (09022015). Collection method: clinical testing. Allele origin: germline.

Blueprint Genetics
Classification: Benign. Last evaluated: 2024-11-26. Review status: criteria provided, single submitter. Criteria: ACMG Guidelines, 2015. Collection method: clinical testing. Allele origin: germline.

Unidad de Genómica Garrahan, Hospital de Pediatría Garrahan
Classification: Benign. Last evaluated: 2024-07-15. Review status: criteria provided, single submitter. Criteria: ACMG Guidelines, 2015. Collection method: clinical testing. Allele origin: germline. Affected: no. Observed: 25 variant alleles.
Comment: This variant is classified as Benign based on local population frequency. This variant was detected in 27% of patients studied in a panel designed for Epileptic and Developmental Encephalopathy and Progressive Myoclonus Epilepsy. Number of patients: 25. Only high quality variants are reported.

Genome-Nilou Lab
Classification: Benign for Alternating hemiplegia of childhood 1. Last evaluated: 2021-12-05. Review status: criteria provided, single submitter. Criteria: ACMG Guidelines, 2015. Collection method: clinical testing. Allele origin: germline. Affected: no.

Genome-Nilou Lab
Classification: Benign for Developmental and epileptic encephalopathy 98. Last evaluated: 2021-12-05. Review status: criteria provided, single submitter. Criteria: ACMG Guidelines, 2015. Collection method: clinical testing. Allele origin: germline. Affected: no.

Genome-Nilou Lab
Classification: Benign for Fetal akinesia, respiratory insufficiency, microcephaly, polymicrogyria, and dysmorphic facies. Last evaluated: 2021-12-05. Review status: criteria provided, single submitter. Criteria: ACMG Guidelines, 2015. Collection method: clinical testing. Allele origin: germline. Affected: no.

Genome-Nilou Lab
Classification: Benign for Migraine, familial hemiplegic, 2. Last evaluated: 2021-12-05. Review status: criteria provided, single submitter. Criteria: ACMG Guidelines, 2015. Collection method: clinical testing. Allele origin: germline. Affected: no.

Illumina Laboratory Services, Illumina
Classification: Benign for Migraine, familial hemiplegic, 2. Last evaluated: 2018-01-13. Review status: criteria provided, single submitter. Criteria: ICSL Variant Classification Criteria 13 December 2019. Collection method: clinical testing. Allele origin: germline.
Comment: This variant was observed in the ICSL laboratory as part of a predisposition screen in an ostensibly healthy population. It had not been previously curated by ICSL or reported in the Human Gene Mutation Database (HGMD: prior to June 1st, 2018), and was therefore a candidate for classification through an automated scoring system. Utilizing variant allele frequency, disease prevalence and penetrance estimates, and inheritance mode, an automated score was calculated to assess if this variant is too frequent to cause the disease. Based on the score and internal cut-off values, a variant classified as benign is not then subjected to further curation. The score for this variant resulted in a classification of benign for this disease.

Illumina Laboratory Services, Illumina
Classification: Benign for Alternating hemiplegia of childhood 1. Last evaluated: 2018-01-13. Review status: criteria provided, single submitter. Criteria: ICSL Variant Classification Criteria 13 December 2019. Collection method: clinical testing. Allele origin: germline.
Comment: the same text as in the submission from Illumina Laboratory Services, Illumina above.

GeneDx
Classification: Benign. Last evaluated: 2015-03-03. Review status: criteria provided, single submitter. Criteria: GeneDx Variant Classification Process June 2021. Collection method: clinical testing. Allele origin: germline. Affected: yes.

Breakthrough Genomics
Classification: Benign. Review status: criteria provided, single submitter. Criteria: ACMG Guidelines, 2015. Collection method: not provided. Allele origin: germline. Inheritance: Autosomal recessive inheritance. Affected: yes.

PreventionGenetics, part of Exact Sciences
Classification: Benign. Review status: criteria provided, single submitter. Criteria: ACMG Guidelines, 2015. Collection method: clinical testing. Allele origin: germline.